The following is an entry in ClinVar:

NM_006648.4(WNK2):c.2473G>A (p.Val825Met)

Gene: WNK2 (WNK lysine deficient protein kinase 2; plus strand). Cytogenetic location: 9q22.31.
Variant type: single nucleotide variant.
Coding change: c.2473G>A on transcript NM_006648.4 (MANE Select); coding-DNA position 2473, G replaced by A.
Protein change: p.Val825Met; replaces valine 825 with methionine.
Molecular consequence: missense variant.
Genome position (GRCh38, 1-based): chr9:93,259,021, G>A. VCF-style: chr9-93259021-G-A. GRCh37 (hg19) VCF-style: chr9-96021303-G-A.
Other names: c.2473G>A, p.Val825Met (NM_001282394.3); short protein forms V825M.
Identifiers: ClinVar variation 3816576 (VCV003816576.1).

ClinVar aggregate classification (germline): Uncertain significance (1 of 4 stars; one submission).

gnomAD v4.1: 2 of 1,612,792 alleles (0.00012%); highest among the groups gnomAD compares: East Asian, 0.0045%; no homozygotes.

Submission:

Ambry Genetics
Classification: Uncertain significance. Last evaluated: 2024-12-21. Review status: criteria provided, single submitter. Criteria: Ambry Variant Classification Scheme 2023. Collection method: clinical testing. Allele origin: germline.
Comment: The p.V825M variant (also known as c.2473G>A), located in coding exon 11 of the WNK2 gene, results from a G to A substitution at nucleotide position 2473. The valine at codon 825 is replaced by methionine, an amino acid with highly similar properties. This amino acid position is conserved. In addition, this alteration is predicted to be tolerated by in silico analysis. Based on the available evidence, the clinical significance of this variant remains unclear.